The following is an entry in ClinVar:

NM_012463.4(ATP6V0A2):c.1999A>G (p.Lys667Glu)

Gene: ATP6V0A2 (ATPase H+ transporting V0 subunit a2; plus strand). Cytogenetic location: 12q24.31.
Variant type: single nucleotide variant.
Coding change: c.1999A>G on transcript NM_012463.4 (MANE Select); coding-DNA position 1999, A replaced by G.
Protein change: p.Lys667Glu; replaces lysine 667 with glutamic acid.
Molecular consequence: missense variant.
Genome position (GRCh38, 1-based): chr12:123,751,173, A>G. VCF-style: chr12-123751173-A-G. GRCh37 (hg19) VCF-style: chr12-124235720-A-G.
Other names: short protein forms K667E.
Identifiers: ClinVar variation 2122450 (VCV002122450.4), dbSNP rs2541871593, ClinGen allele CA387163000.

ClinVar aggregate classification (germline): Uncertain significance (1 of 4 stars; one submission).

Conditions:
ALG9 congenital disorder of glycosylation (CDG1L). Also called: CDG Il; CONGENITAL DISORDER OF GLYCOSYLATION, TYPE Il; ALG9-CDG. Identifiers: Orphanet 79328, MedGen C2931006, MONDO:0012117, OMIM 608776.

Submission:

Labcorp Genetics (formerly Invitae), Labcorp
Classification: Uncertain significance for ALG9 congenital disorder of glycosylation. Last evaluated: 2022-04-07. Review status: criteria provided, single submitter. Criteria: Invitae Variant Classification Sherloc (09022015). Collection method: clinical testing. Allele origin: germline.
Comment: In summary, the available evidence is currently insufficient to determine the role of this variant in disease. Therefore, it has been classified as a Variant of Uncertain Significance. Algorithms developed to predict the effect of missense changes on protein structure and function (SIFT, PolyPhen-2, Align-GVGD) all suggest that this variant is likely to be disruptive. This variant has not been reported in the literature in individuals affected with ATP6V0A2-related conditions. This variant is not present in population databases (gnomAD no frequency). This sequence change replaces lysine, which is basic and polar, with glutamic acid, which is acidic and polar, at codon 667 of the ATP6V0A2 protein (p.Lys667Glu).